The following is an entry in ClinVar:

NM_138387.4(G6PC3):c.911del (p.Pro304fs)

Gene: G6PC3 (glucose-6-phosphatase catalytic subunit 3; plus strand). Cytogenetic location: 17q21.31.
Variant type: Deletion.
Coding change: c.911del on transcript NM_138387.4 (MANE Select); coding-DNA position 911, one base deleted (C; older notation c.911delC).
Protein change: p.Pro304fs; shifts the reading frame from proline 304.
Molecular consequence: frameshift variant. On other transcripts: 3 prime UTR variant (1).
Genome position (GRCh38, 1-based): chr17:44,075,913, C deleted; the last of 6 consecutive C bases (chr17:44,075,908-44,075,913); deleting any one gives the same sequence. VCF-style (leftmost placement, unchanged base first): chr17-44075907-AC-A. GRCh37 (hg19) VCF-style: chr17-42153275-AC-A.
Other names: c.911delC (NM_138387.4); c.*204del (NM_001319945.2); c.566del, p.Pro189fs (NM_001384165.1, NM_001384166.1, NM_001384167.1 and 1 more transcripts); short protein forms P189fs, P304fs.
Identifiers: ClinVar variation 4847936 (VCV004847936.1).
Genomic context (GRCh38, chr17:44,075,907, plus strand): 5'-AGAAGATAGCCTGCCTTGTGCTGGCCATGGGGCTGCTGGGCCCCCTGGACTGGCTGGGCC[AC>A]CCCCCTCAGATCAGCCTCTTCTACATTTTCAATTTCCTCAAGTACACCCTCTGGCCATGC-3'

ClinVar aggregate classification (germline): Uncertain significance (1 of 4 stars; one submission).

Submission:

Women's Health and Genetics/Laboratory Corporation of America, LabCorp
Classification: Uncertain significance. Last evaluated: 2026-02-10. Review status: criteria provided, single submitter. Criteria: LabCorp Variant Classification Summary - May 2015. Collection method: clinical testing. Allele origin: germline.
Comment: Variant summary: G6PC3 c.911delC (p.Pro304LeufsX20) results in a premature termination codon, predicted to cause a truncation of the encoded protein and not expected to cause nonsense mediated decay (NMD). The variant allele was found at a frequency of 1.9e-06 in 1612646 control chromosomes (gnomAD). The available data on variant occurrences in the general population are insufficient to allow any conclusion about variant significance. To our knowledge, no occurrence of c.911delC in individuals affected with G6PC3-related conditions and no experimental evidence demonstrating its impact on protein function have been reported. No submitters have cited clinical-significance assessments for this variant to ClinVar. Based on the evidence outlined above, the variant was classified as uncertain significance.